The following is an entry in ClinVar:

ClinVar aggregate classification (germline): Pathogenic (1 of 4 stars; one submission).

Conditions:
Neurofibromatosis, type 1 (NF1). Also called: NEUROFIBROMATOSIS, TYPE I, SOMATIC; Neurofibromatosis, type I; Peripheral type neurofibromatosis; VON RECKLINGHAUSEN DISEASE. Identifiers: Orphanet 636, MedGen C0027831, MONDO:0018975, OMIM 162200. Disease mechanism: loss of function.

Submission:

Labcorp Genetics (formerly Invitae), Labcorp
Classification: Pathogenic for Neurofibromatosis, type 1. Last evaluated: 2024-03-10. Review status: criteria provided, single submitter. Criteria: Invitae Variant Classification Sherloc (09022015). Collection method: clinical testing. Allele origin: germline.
Comment: This sequence change inserts a large fragment of DNA, likely a transposable element, in exon 44 of the NF1 gene (c.6750_6751ins?), causing a frameshift at codon 2250 (p.Leu2250fs). The exact size and sequence of the insertion cannot be determined by the current assay. However, the insertion is expected to result in an absent or disrupted protein product. This variant is not present in population databases (gnomAD no frequency). This variant has not been reported in the literature in individuals affected with NF1-related conditions. Algorithms developed to predict the effect of sequence changes on RNA splicing suggest that this variant may disrupt the consensus splice site. Retrotransposon insertions including LINE1 (L1), Alu, and SVA (SINE-VNTR-Alu) have been reported to be disease-causing through disruption of either a coding region or splice site (PMID: 19763152, 20307669, 22406018) and loss-of-function variants in NF1 are known to be pathogenic (PMID: 10712197, 23913538). For these reasons, this variant has been classified as Pathogenic.

Literature cited by the submitters: PubMed 19763152; PubMed 20307669; PubMed 22406018; PubMed 10712197; PubMed 23913538.

NM_001042492.3(NF1):c.6813_6814insTTTTTTTTTTTTTTTTTTTTNNNNNNNNNNTGACCTCATGATCCACCCGCCTCGGCCTCCCAAAGTGCTGGGATTACAGGCGTGAGCCAACGCGCCCGGCCGATAATCCGTATTCTT (p.Ser2272delinsPhePhePhePhePhePheXaaXaaXaaXaaTer)

Gene: NF1 (neurofibromin 1; plus strand). Cytogenetic location: 17q11.2.
Variant type: Insertion.
Coding change: c.6813_6814insTTTTTTTTTTTTTTTTTTTTNNNNNNNNNNTGACCTCATGATCCACCCGCCTCGGCCTCCCAAAGTGCTGGGATTACAGGCGTGAGCCAACGCGCCCGGCCGATAATCCGTATTCTT on transcript NM_001042492.3 (MANE Select); coding-DNA positions 6813 to 6814, TTTTTTTTTTTTTTTTTTTTNNNNNNNNNNTGACCTCATGATCCACCCGCCTCGGCCTCCCAAAGTGCTGGGATTACAGGCGTGAGCCAACGCGCCCGGCCGATAATCCGTATTCTT inserted.
Protein change: p.Ser2272delinsPhePhePhePhePhePheXaaXaaXaaXaaTer.
Molecular consequence: nonsense.
Genome position: GRCh38: chr17:31,338,133-31,338,134. GRCh37 (hg19): chr17:29,665,151-29,665,152.
Other names: c.6750_6751insTTTTTTTTTTTTTTTTTTTTNNNNNNNNNNTGACCTCATGATCCACCCGCCTCGGCCTCCCAAAGTGCTGGGATTACAGGCGTGAGCCAACGCGCCCGGCCGATAATCCGTATTCTT, p.Ser2251_Asp2585delinsPhePhePhePhePhePheXaaXaaXaaXaaTer (NM_000267.4).
Identifiers: ClinVar variation 2022538 (VCV002022538.4), dbSNP rs2508759734.